The following is an entry in ClinVar:

NM_003482.4(KMT2D):c.1296C>T (p.Ala432=)

Gene: KMT2D (lysine methyltransferase 2D; minus strand). Cytogenetic location: 12q13.12.
Variant type: single nucleotide variant.
Coding change: c.1296C>T on transcript NM_003482.4 (MANE Select); coding-DNA position 1296, C replaced by T.
Protein change: p.Ala432=; no amino-acid change (alanine 432 retained).
Molecular consequence: synonymous variant.
Genome position (GRCh38, 1-based): chr12:49,052,387, G>A on the plus strand (C>T on the coding strand, the complement: KMT2D is on the minus strand). VCF-style: chr12-49052387-G-A. GRCh37 (hg19) VCF-style: chr12-49446170-G-A.
Identifiers: ClinVar variation 1338136 (VCV001338136.37), dbSNP rs547058856, ClinGen allele CA6548516.

ClinVar aggregate classification (germline): Benign/Likely benign. Review status: criteria provided, multiple submitters, no conflicts (2 of 4 stars). 5 submissions from 5 submitters: Benign (2); Likely benign (3). Last evaluated 2026-01-01.

Conditions:
Kabuki syndrome. Also called: Kabuki make-up syndrome; NIIKAWA-KUROKI SYNDROME. Identifiers: Orphanet 2322, MedGen C0796004, MONDO:0016512.
KMT2D-related disorder. Also called: KMT2D-Related Disorders.

Allele frequency attached by ClinVar (database versions not stated): gnomAD 0.00004 and 0.00015; TOPMed 0.00006; gnomAD exomes 0.00015 and 0.00038; ExAC 0.00028; 1000 Genomes Project 30x 0.00109; 1000 Genomes Project 0.00120.
gnomAD v4.1: 240 of 1,541,338 alleles (0.016%); highest among the groups gnomAD compares: South Asian, 0.27%; no homozygotes.

Submissions (5):

CeGaT Center for Human Genetics Tuebingen
Classification: Benign. Last evaluated: 2026-01-01. Review status: criteria provided, single submitter. Criteria: CeGaT Center For Human Genetics Tuebingen Variant Classification Criteria Version 2. Collection method: clinical testing. Allele origin: germline. Affected: yes. Observed: 2 variant alleles.
Comment: KMT2D: BP4, BS1, BS2

Labcorp Genetics (formerly Invitae), Labcorp
Classification: Benign for Kabuki syndrome. Last evaluated: 2025-12-29. Review status: criteria provided, single submitter. Criteria: Invitae Variant Classification Sherloc (09022015). Collection method: clinical testing. Allele origin: germline.

PreventionGenetics, part of Exact Sciences
Classification: Likely benign for KMT2D-related condition. Last evaluated: 2024-10-28. Review status: criteria provided, single submitter. Criteria: ACMG Guidelines, 2015. Collection method: clinical testing. Allele origin: germline.
Comment: This variant is classified as likely benign based on ACMG/AMP sequence variant interpretation guidelines (Richards et al. 2015 PMID: 25741868, with internal and published modifications).

Blueprint Genetics
Classification: Likely benign. Last evaluated: 2024-07-03. Review status: criteria provided, single submitter. Criteria: ACMG Guidelines, 2015. Collection method: clinical testing. Allele origin: germline.

Genetic Services Laboratory, University of Chicago
Classification: Likely benign. Last evaluated: 2021-11-05. Review status: criteria provided, single submitter. Criteria: ACMG Guidelines, 2015. Collection method: clinical testing. Allele origin: germline. Affected: no.